The following is an entry in ClinVar:

NM_001792.5(CDH2):c.1099A>G (p.Thr367Ala)

Gene: CDH2 (cadherin 2; minus strand). Cytogenetic location: 18q12.1.
Variant type: single nucleotide variant.
Coding change: c.1099A>G on transcript NM_001792.5 (MANE Select); coding-DNA position 1099, A replaced by G.
Protein change: p.Thr367Ala; replaces threonine 367 with alanine.
Molecular consequence: missense variant.
Genome position (GRCh38, 1-based): chr18:27,993,559, T>C on the plus strand (A>G on the coding strand, the complement: CDH2 is on the minus strand). VCF-style: chr18-27993559-T-C. GRCh37 (hg19) VCF-style: chr18-25573523-T-C.
Other names: c.1006A>G, p.Thr336Ala (NM_001308176.2); short protein forms T367A, T336A.
Identifiers: ClinVar variation 1521867 (VCV001521867.7), dbSNP rs756781191, ClinGen allele CA8923521.

ClinVar aggregate classification (germline): Uncertain significance. Review status: criteria provided, multiple submitters, no conflicts (2 of 4 stars). 2 submissions from 2 submitters: Uncertain significance (2). Last evaluated 2024-11-13.

Conditions:
Inborn genetic diseases. Identifiers: MedGen C0950123, MeSH D030342.

Allele frequency attached by ClinVar (database versions not stated): gnomAD exomes below 0.00001 and 0.00001; gnomAD 0.00001; ExAC 0.00002; TOPMed 0.00003.
gnomAD v4.1: 7 of 1,614,080 alleles (0.00043%); highest among the groups gnomAD compares: African/African-American, 0.0067%; no homozygotes.

Submissions (2):

Labcorp Genetics (formerly Invitae), Labcorp
Classification: Uncertain significance. Last evaluated: 2024-11-13. Review status: criteria provided, single submitter. Criteria: Invitae Variant Classification Sherloc (09022015). Collection method: clinical testing. Allele origin: germline.
Comment: This sequence change replaces threonine, which is neutral and polar, with alanine, which is neutral and non-polar, at codon 367 of the CDH2 protein (p.Thr367Ala). This variant is present in population databases (rs756781191, gnomAD 0.01%). This variant has not been reported in the literature in individuals affected with CDH2-related conditions. ClinVar contains an entry for this variant (Variation ID: 1521867). An algorithm developed to predict the effect of missense changes on protein structure and function (PolyPhen-2) suggests that this variant is likely to be disruptive. In summary, the available evidence is currently insufficient to determine the role of this variant in disease. Therefore, it has been classified as a Variant of Uncertain Significance.

Ambry Genetics
Classification: Uncertain significance for Inborn genetic diseases. Last evaluated: 2023-09-06. Review status: criteria provided, single submitter. Criteria: Ambry Variant Classification Scheme 2023. Collection method: clinical testing. Allele origin: germline.
Comment: The p.T367A variant (also known as c.1099A>G), located in coding exon 8 of the CDH2 gene, results from an A to G substitution at nucleotide position 1099. The threonine at codon 367 is replaced by alanine, an amino acid with similar properties. This amino acid position is conserved. In addition, the in silico prediction for this alteration is inconclusive. Since supporting evidence is limited at this time, the clinical significance of this alteration remains unclear.